The following is an entry in ClinVar:

ClinVar aggregate classification (germline): Pathogenic (1 of 4 stars; one submission).

Conditions:
Hereditary cancer-predisposing syndrome. Also called: Hereditary Cancer Syndrome; Hereditary neoplastic syndrome; Neoplastic Syndromes, Hereditary; Tumor predisposition. Identifiers: Orphanet 140162, MedGen C0027672, MeSH D009386, MONDO:0015356.

Submission:

Ambry Genetics
Classification: Pathogenic for Hereditary cancer-predisposing syndrome. Last evaluated: 2018-12-06. Review status: criteria provided, single submitter. Criteria: Ambry Variant Classification Scheme 2023. Collection method: clinical testing. Allele origin: germline.
Comment: The c.1534_1547del14 pathogenic mutation, located in coding exon 11 of the PMS2 gene, results from a deletion of 14 nucleotides at nucleotide positions 1534 to 1547, causing a translational frameshift with a predicted alternate stop codon (p.G512Qfs*25). This alteration is expected to result in loss of function by premature protein truncation or nonsense-mediated mRNA decay. As such, this alteration is interpreted as a disease-causing mutation.

NM_000535.7(PMS2):c.1534_1547del (p.Gly512fs)

Gene: PMS2 (PMS1 homolog 2, mismatch repair system component; minus strand). Cytogenetic location: 7p22.1.
Variant type: Deletion.
Coding change: c.1534_1547del on transcript NM_000535.7 (MANE Select); coding-DNA positions 1534 to 1547, 14 bases deleted (GGCAGTCACTGCAG).
Protein change: p.Gly512fs; shifts the reading frame from glycine 512.
Molecular consequence: frameshift variant. On other transcripts: non-coding transcript variant (1).
Genome position (GRCh38, 1-based): chr7:5,987,218-5,987,231, CTGCAGTGACTGCC deleted on the plus strand (GGCAGTCACTGCAG on the coding strand, the reverse complement: PMS2 is on the minus strand); deleting any 14 consecutive bases within chr7:5,987,218-5,987,232 gives the same sequence; the c. name uses the placement nearest the transcript's 3' end. VCF-style (leftmost placement, unchanged base first): chr7-5987217-GCTGCAGTGACTGCC-G. GRCh37 (hg19) VCF-style: chr7-6026848-GCTGCAGTGACTGCC-G.
Other names: c.1129_1142del, p.Gly377fs (NM_001322003.2, NM_001322004.2, NM_001322005.2 and 1 more transcripts); c.1128_1141delGGGCAGTCACTGCA, p.Gly377Glnfs (NM_001018040.1, NM_001406887.1, NM_001406888.1 and 13 more transcripts); c.1378_1391del, p.Gly460fs (NM_001322006.2); c.1216_1229del, p.Gly406fs (NM_001322007.2, NM_001322008.2); c.973_986del, p.Gly325fs (NM_001322010.2); c.601_614del, p.Gly201fs (NM_001322011.2, NM_001322012.2); c.961_974del, p.Gly321fs (NM_001322013.2); c.1534_1547del, p.Gly512fs (NM_001322014.2); and 20 more; short protein forms G321fs, G325fs, G460fs, G512fs, G406fs, G409fs, G201fs, G377fs.
Identifiers: ClinVar variation 1774684 (VCV001774684.2), dbSNP rs2535773926, ClinGen allele CA2580076905.